The following is an entry in ClinVar:

ClinVar aggregate classification (germline): Uncertain significance. Review status: criteria provided, multiple submitters, no conflicts (2 of 4 stars). 2 submissions from 2 submitters: Uncertain significance (2). Last evaluated 2025-11-20.

Conditions:
Heterotaxy, visceral, 5, autosomal (HTX5). Also called: Heterotaxy, visceral, 5. Identifiers: Orphanet 450, MedGen C3495537, MONDO:0700112, OMIM 270100.
Inborn genetic diseases. Identifiers: MedGen C0950123, MeSH D030342.

gnomAD v4.1: 67 of 1,613,830 alleles (0.0042%); highest among the groups gnomAD compares: Non-Finnish European, 0.0053%; no homozygotes.

Submissions (2):

Ambry Genetics
Classification: Uncertain significance for Inborn genetic diseases. Last evaluated: 2025-11-20. Review status: criteria provided, single submitter. Criteria: Ambry Variant Classification Scheme 2023. Collection method: clinical testing. Allele origin: germline.

Labcorp Genetics (formerly Invitae), Labcorp
Classification: Uncertain significance for Heterotaxy, visceral, 5, autosomal. Last evaluated: 2025-01-26. Review status: criteria provided, single submitter. Criteria: Invitae Variant Classification Sherloc (09022015). Collection method: clinical testing. Allele origin: germline.
Comment: This sequence change replaces proline, which is neutral and non-polar, with leucine, which is neutral and non-polar, at codon 187 of the NODAL protein (p.Pro187Leu). This variant is present in population databases (rs375466579, gnomAD 0.01%). This variant has not been reported in the literature in individuals affected with NODAL-related conditions. Invitae Evidence Modeling of protein sequence and biophysical properties (such as structural, functional, and spatial information, amino acid conservation, physicochemical variation, residue mobility, and thermodynamic stability) indicates that this missense variant is not expected to disrupt NODAL protein function with a negative predictive value of 80%. In summary, the available evidence is currently insufficient to determine the role of this variant in disease. Therefore, it has been classified as a Variant of Uncertain Significance.

NM_018055.5(NODAL):c.560C>T (p.Pro187Leu)

Gene: NODAL (nodal growth differentiation factor; minus strand). Cytogenetic location: 10q22.1.
Variant type: single nucleotide variant.
Coding change: c.560C>T on transcript NM_018055.5 (MANE Select); coding-DNA position 560, C replaced by T.
Protein change: p.Pro187Leu; replaces proline 187 with leucine.
Molecular consequence: missense variant.
Genome position (GRCh38, 1-based): chr10:70,435,617, G>A on the plus strand (C>T on the coding strand, the complement: NODAL is on the minus strand). VCF-style: chr10-70435617-G-A. GRCh37 (hg19) VCF-style: chr10-72195373-G-A.
Other names: c.161C>T, p.Pro54Leu (NM_001329906.2); c.560C>T (NM_018055.4); short protein forms P54L, P187L.
Identifiers: ClinVar variation 3637084 (VCV003637084.3).